The following is an entry in ClinVar:

NM_006914.4(RORB):c.564del (p.Val189fs)

Gene: RORB (RAR related orphan receptor B; plus strand). Cytogenetic location: 9q21.13.
Variant type: Deletion.
Coding change: c.564del on transcript NM_006914.4 (MANE Select); coding-DNA position 564, one base deleted (C; older notation c.564delC).
Protein change: p.Val189fs; shifts the reading frame from valine 189.
Molecular consequence: frameshift variant.
Genome position (GRCh38, 1-based): chr9:74,642,742, C deleted; the last of 2 consecutive C bases (chr9:74,642,741-74,642,742); deleting either gives the same sequence. VCF-style (leftmost placement, unchanged base first): chr9-74642740-TC-T. GRCh37 (hg19) VCF-style: chr9-77257656-TC-T.
Other names: c.597del, p.Val200fs (NM_001365023.1); short protein forms V200fs, V189fs.
Identifiers: ClinVar variation 2830166 (VCV002830166.3), dbSNP rs2489584321, ClinGen allele CA2739269259.

ClinVar aggregate classification (germline): Pathogenic (1 of 4 stars; one submission).

Submission:

Labcorp Genetics (formerly Invitae), Labcorp
Classification: Pathogenic. Last evaluated: 2023-01-19. Review status: criteria provided, single submitter. Criteria: Invitae Variant Classification Sherloc (09022015). Collection method: clinical testing. Allele origin: germline.
Comment: This sequence change creates a premature translational stop signal (p.Val189Tyrfs*15) in the RORB gene. It is expected to result in an absent or disrupted protein product. Loss-of-function variants in RORB are known to be pathogenic (PMID: 27352968). For these reasons, this variant has been classified as Pathogenic. This variant has not been reported in the literature in individuals affected with RORB-related conditions. This variant is not present in population databases (gnomAD no frequency).

Literature cited by the submitters: PubMed 27352968.